The following is an entry in ClinVar:

ClinVar aggregate classification (germline): Likely benign. Review status: criteria provided, multiple submitters, no conflicts (2 of 4 stars). 3 submissions from 3 submitters: Likely benign (3). Last evaluated 2025-12-01.

Conditions:
Maturity-onset diabetes of the young type 8 (MODY8). Also called: DIABETES-PANCREATIC EXOCRINE DYSFUNCTION SYNDROME; DIABETES AND PANCREATIC EXOCRINE DYSFUNCTION. Identifiers: Orphanet 552, MedGen C1853297, MONDO:0012348, OMIM 609812.

Allele frequency attached by ClinVar (database versions not stated): gnomAD exomes 0.00020; 1000 Genomes Project 30x 0.00031; 1000 Genomes Project 0.00040; gnomAD 0.00077 and 0.00079; TOPMed 0.00079; ExAC 0.00097.
gnomAD v4.1: 685 of 1,601,484 alleles (0.043%); highest among the groups gnomAD compares: Non-Finnish European, 0.042%; 3 homozygotes.

Submissions (3):

CeGaT Center for Human Genetics Tuebingen
Classification: Likely benign. Last evaluated: 2025-12-01. Review status: criteria provided, single submitter. Criteria: CeGaT Center For Human Genetics Tuebingen Variant Classification Criteria Version 2. Collection method: clinical testing. Allele origin: germline. Affected: yes. Observed: 3 variant alleles.
Comment: CEL: BP4, BP7

Fulgent Genetics
Classification: Likely benign for Maturity-onset diabetes of the young type 8. Last evaluated: 2021-09-22. Review status: criteria provided, single submitter. Criteria: ACMG Guidelines, 2015. Collection method: clinical testing. Allele origin: unknown.

GeneDx
Classification: Likely benign. Last evaluated: 2019-04-18. Review status: criteria provided, single submitter. Criteria: GeneDx Variant Classification Process June 2021. Collection method: clinical testing. Allele origin: germline. Affected: yes.

NM_001807.6(CEL):c.1689A>G (p.Thr563=)

Gene: CEL (carboxyl ester lipase; plus strand). Cytogenetic location: 9q34.13.
Variant type: single nucleotide variant.
Coding change: c.1689A>G on transcript NM_001807.6 (MANE Select); coding-DNA position 1689, A replaced by G.
Protein change: p.Thr563=; no amino-acid change (threonine 563 retained).
Molecular consequence: synonymous variant.
Genome position (GRCh38, 1-based): chr9:133,071,191, A>G. VCF-style: chr9-133071191-A-G. GRCh37 (hg19) VCF-style: chr9-135946578-A-G.
Identifiers: ClinVar variation 1216982 (VCV001216982.28), dbSNP rs199941432, ClinGen allele CA5303484.